The following is an entry in ClinVar:

ClinVar aggregate classification (germline): Uncertain significance (1 of 4 stars; one submission).

Submission:

Ambry Genetics
Classification: Uncertain significance. Last evaluated: 2026-07-25. Review status: criteria provided, single submitter. Criteria: Ambry Variant Classification Scheme 2023. Collection method: clinical testing. Allele origin: germline.
Comment: The p.A106V variant (also known as c.317C>T), located in coding exon 1 of the MLH3 gene, results from a C to T substitution at nucleotide position 317. The alanine at codon 106 is replaced by valine, an amino acid with similar properties. This amino acid position is conserved. In addition, the in silico prediction for this alteration is inconclusive. Based on the available evidence, the clinical significance of this variant remains unclear.

NM_001040108.2(MLH3):c.317C>T (p.Ala106Val)

Gene: MLH3 (mutL homolog 3; minus strand). Cytogenetic location: 14q24.3.
Variant type: single nucleotide variant.
Coding change: c.317C>T on transcript NM_001040108.2 (MANE Select); coding-DNA position 317, C replaced by T.
Protein change: p.Ala106Val; replaces alanine 106 with valine.
Molecular consequence: missense variant.
Genome position (GRCh38, 1-based): chr14:75,049,339, G>A on the plus strand (C>T on the coding strand, the complement: MLH3 is on the minus strand). VCF-style: chr14-75049339-G-A. GRCh37 (hg19) VCF-style: chr14-75516042-G-A.
Other names: c.317C>T, p.Ala106Val (NM_014381.3); short protein forms A106V.
Identifiers: ClinVar variation 5024605 (VCV005024605.1).